The following is an entry in ClinVar:

ClinVar aggregate classification (germline): Pathogenic (1 of 4 stars; one submission).

Conditions:
Hypercholesterolemia, familial, 4 (FHCL4). Also called: HYPERCHOLESTEROLEMIA, AUTOSOMAL RECESSIVE, 1; HYPERCHOLESTEROLEMIA, AUTOSOMAL RECESSIVE, 2. Identifiers: Orphanet 391665, MedGen C1863512, MONDO:0011374, OMIM 603813.

Submission:

Labcorp Genetics (formerly Invitae), Labcorp
Classification: Pathogenic for Hypercholesterolemia, familial, 4. Last evaluated: 2023-02-08. Review status: criteria provided, single submitter. Criteria: Invitae Variant Classification Sherloc (09022015). Collection method: clinical testing. Allele origin: germline.
Comment: This variant has not been reported in the literature in individuals affected with LDLRAP1-related conditions. This variant is not present in population databases (gnomAD no frequency). This sequence change creates a premature translational stop signal (p.Trp172*) in the LDLRAP1 gene. It is expected to result in an absent or disrupted protein product. Loss-of-function variants in LDLRAP1 are known to be pathogenic (PMID: 11326085, 12464675). For these reasons, this variant has been classified as Pathogenic.

Literature cited by the submitters: PubMed 11326085; PubMed 12464675.

NM_015627.3(LDLRAP1):c.516G>A (p.Trp172Ter)

Gene: LDLRAP1 (low density lipoprotein receptor adaptor protein 1; plus strand). Cytogenetic location: 1p36.11.
Variant type: single nucleotide variant.
Coding change: c.516G>A on transcript NM_015627.3 (MANE Select); coding-DNA position 516, G replaced by A.
Protein change: p.Trp172Ter; replaces tryptophan 172 with a stop codon.
Molecular consequence: nonsense.
Genome position (GRCh38, 1-based): chr1:25,562,700, G>A. VCF-style: chr1-25562700-G-A. GRCh37 (hg19) VCF-style: chr1-25889191-G-A.
Other names: short protein forms W172*.
Identifiers: ClinVar variation 2835248 (VCV002835248.3), dbSNP rs2524100144, ClinGen allele CA339073768.